The following is an entry in ClinVar:

ClinVar aggregate classification (germline): Likely benign (1 of 4 stars; one submission).

Conditions:
ASRGL1-related disorder. Also called: ASRGL1-related condition.

gnomAD v4.1: 15 of 1,614,020 alleles (0.00093%); highest among the groups gnomAD compares: Non-Finnish European, 0.0013%; no homozygotes.

Submission:

PreventionGenetics, part of Exact Sciences
Classification: Likely benign for ASRGL1-related condition. Last evaluated: 2025-03-25. Review status: criteria provided, single submitter. Criteria: ACMG Guidelines, 2015. Collection method: clinical testing. Allele origin: germline.
Comment: This variant is classified as likely benign based on ACMG/AMP sequence variant interpretation guidelines (Richards et al. 2015 PMID: 25741868, with internal and published modifications).

NM_001083926.2(ASRGL1):c.784T>C (p.Leu262=)

Gene: ASRGL1 (asparaginase and isoaspartyl peptidase 1; plus strand). Cytogenetic location: 11q12.3.
Variant type: single nucleotide variant.
Coding change: c.784T>C on transcript NM_001083926.2 (MANE Select); coding-DNA position 784, T replaced by C.
Protein change: p.Leu262=; no amino-acid change (leucine 262 retained).
Molecular consequence: synonymous variant.
Genome position (GRCh38, 1-based): chr11:62,392,141, T>C. VCF-style: chr11-62392141-T-C. GRCh37 (hg19) VCF-style: chr11-62159613-T-C.
Other names: c.784T>C, p.Leu262= (NM_025080.4).
Identifiers: ClinVar variation 4977276 (VCV004977276.1).